The following is an entry in ClinVar:

NM_000330.4(RS1):c.275G>T (p.Trp92Leu)

Genes: CDKL5 (cyclin dependent kinase like 5; plus strand), RS1 (retinoschisin 1; minus strand). Cytogenetic location: Xp22.13.
Variant type: single nucleotide variant.
Coding change: c.275G>T on transcript NM_000330.4 (MANE Select); coding-DNA position 275, G replaced by T.
Protein change: p.Trp92Leu; replaces tryptophan 92 with leucine.
Molecular consequence: missense variant. On other transcripts: intron variant (2).
Genome position (GRCh38, 1-based): chrX:18,647,242, C>A on the plus strand (G>T on the coding strand, the complement: RS1 is on the minus strand). VCF-style: chrX-18647242-C-A. GRCh37 (hg19) VCF-style: chrX-18665362-C-A.
Other names: c.2797+1152C>A (NM_001037343.2, NM_003159.3); short protein forms W92L.
Identifiers: ClinVar variation 2701565 (VCV002701565.3), dbSNP rs2518924265, ClinGen allele CA412372811.
Genomic context (GRCh38, chrX:18,647,242, plus strand): 5'-CCTGCTTACCCAAAGCCTTGACTGTTGAGCCGGGCCTTGTTTGCAGTCCACGAAGAATAC[C>A]AGCCCACATACTGCTCCGGGTTAGAGCAGGTGATCTGGTCCGGTGTGACCTCCCCTGACT-3'
Protein context (NP_000321.1, residues 82-102): TCSNPEQYVG[Trp92Leu]YSSWTANKAR

ClinVar aggregate classification (germline): Likely pathogenic (1 of 4 stars; one submission).

Submission:

Labcorp Genetics (formerly Invitae), Labcorp
Classification: Likely pathogenic. Last evaluated: 2023-12-17. Review status: criteria provided, single submitter. Criteria: Invitae Variant Classification Sherloc (09022015). Collection method: clinical testing. Allele origin: germline.
Comment: This sequence change replaces tryptophan, which is neutral and slightly polar, with leucine, which is neutral and non-polar, at codon 92 of the RS1 protein (p.Trp92Leu). This variant is not present in population databases (gnomAD no frequency). This variant has not been reported in the literature in individuals affected with RS1-related conditions. Advanced modeling of protein sequence and biophysical properties (such as structural, functional, and spatial information, amino acid conservation, physicochemical variation, residue mobility, and thermodynamic stability) performed at Invitae indicates that this missense variant is expected to disrupt RS1 protein function with a positive predictive value of 95%. This variant disrupts the p.Trp92 amino acid residue in RS1. Other variant(s) that disrupt this residue have been determined to be pathogenic (PMID: 9760195, 20061330, 28272453). This suggests that this residue is clinically significant, and that variants that disrupt this residue are likely to be disease-causing. In summary, the currently available evidence indicates that the variant is pathogenic, but additional data are needed to prove that conclusively. Therefore, this variant has been classified as Likely Pathogenic.

Literature cited by the submitters: PubMed 9760195; PubMed 20061330; PubMed 28272453.